The following is an entry in ClinVar:

NM_014270.5(SLC7A9):c.1399+5G>A

Gene: SLC7A9 (solute carrier family 7 member 9; minus strand). Cytogenetic location: 19q13.11.
Variant type: single nucleotide variant.
Coding change: c.1399+5G>A on transcript NM_014270.5 (MANE Select); 5 bases into the intron after coding-DNA position 1399, G replaced by A.
Molecular consequence: intron variant.
Genome position (GRCh38, 1-based): chr19:32,833,144, C>T on the plus strand (G>A on the coding strand, the complement: SLC7A9 is on the minus strand). VCF-style: chr19-32833144-C-T. GRCh37 (hg19) VCF-style: chr19-33324050-C-T.
Other names: c.1399+5G>A (NM_001126335.2, NM_001243036.2).
Identifiers: ClinVar variation 4726303 (VCV004726303.2).

ClinVar aggregate classification (germline): Uncertain significance. Review status: criteria provided, multiple submitters, no conflicts (2 of 4 stars). 2 submissions from 2 submitters: Uncertain significance (2). Last evaluated 2025-09-05.

Conditions:
Cystinuria (CSNU). Also called: CYSTINURIA, TYPE I; CYSTINURIA, TYPE II; CYSTINURIA, TYPE III; Cystinuria, non-type I. Identifiers: Orphanet 214, MedGen C0010691, MONDO:0009067, OMIM 220100, HP:0003131.

gnomAD v4.1: 1 of 1,613,658 alleles (0.000062%); highest among the groups gnomAD compares: Non-Finnish European, 0.000085%; no homozygotes.

Submissions (2):

Labcorp Genetics (formerly Invitae), Labcorp
Classification: Uncertain significance. Last evaluated: 2025-09-05. Review status: criteria provided, single submitter. Criteria: Invitae Variant Classification Sherloc (09022015). Collection method: clinical testing. Allele origin: germline.
Comment: This sequence change falls in intron 12 of the SLC7A9 gene. It does not directly change the encoded amino acid sequence of the SLC7A9 protein. It affects a nucleotide within the consensus splice site. This variant is not present in population databases (gnomAD no frequency). This variant has not been reported in the literature in individuals affected with SLC7A9-related conditions. Variants that disrupt the consensus splice site are a relatively common cause of aberrant splicing (PMID: 17576681, 9536098). Algorithms developed to predict the effect of sequence changes on RNA splicing suggest that this variant may disrupt the consensus splice site. This variant disrupts the c.1399+5G nucleotide in the SLC7A9 gene. Other variant(s) that disrupt this nucleotide have been determined to be pathogenic (PMID: 32133030, 34674420, 36571637). This suggests that this nucleotide is clinically significant, and that variants that disrupt this position are likely to be disease-causing. In summary, the available evidence is currently insufficient to determine the role of this variant in disease. Therefore, it has been classified as a Variant of Uncertain Significance.

MVZ Medizinische Genetik Mainz
Classification: Uncertain significance for Cystinuria. Last evaluated: 2024-02-19. Review status: criteria provided, single submitter. Criteria: UK Practice Guidelines For Variant Classification V4 01 2020. Collection method: clinical testing. Allele origin: germline. Inheritance: Autosomal recessive inheritance. Affected: yes. Observed: 1 variant allele.
Comment: ACMG Criteria: PS1_MOD,PM2_SUP,PP3,PP4

Literature cited by the submitters: PubMed 17576681 (cited by Labcorp Genetics (formerly Invitae), Labcorp); PubMed 9536098 (cited by Labcorp Genetics (formerly Invitae), Labcorp); PubMed 32133030 (cited by Labcorp Genetics (formerly Invitae), Labcorp); PubMed 34674420 (cited by Labcorp Genetics (formerly Invitae), Labcorp); PubMed 36571637 (cited by Labcorp Genetics (formerly Invitae), Labcorp).